The following is an entry in ClinVar:

NM_173086.5(KRT6C):c.541-6T>C

Gene: KRT6C (keratin 6C; minus strand). Cytogenetic location: 12q13.13.
Variant type: single nucleotide variant.
Coding change: c.541-6T>C on transcript NM_173086.5 (MANE Select); 6 bases into the intron before coding-DNA position 541, T replaced by C.
Molecular consequence: intron variant.
Genome position (GRCh38, 1-based): chr12:52,472,286, A>G on the plus strand (T>C on the coding strand, the complement: KRT6C is on the minus strand). VCF-style: chr12-52472286-A-G. GRCh37 (hg19) VCF-style: chr12-52866070-A-G.
Identifiers: ClinVar variation 3039391 (VCV003039391.2), dbSNP rs113139782, ClinGen allele CA6581526.

ClinVar aggregate classification (germline): Likely benign (0 of 4 stars; one submission).

Conditions:
KRT6C-related disorder. Also called: KRT6C-related condition.

Allele frequency attached by ClinVar (database versions not stated): ExAC 0.00020; gnomAD 0.00049; 1000 Genomes Project 30x 0.00172; 1000 Genomes Project 0.06070.

Submission:

PreventionGenetics, part of Exact Sciences
Classification: Likely benign for KRT6C-related condition. Last evaluated: 2019-04-01. Review status: no assertion criteria provided. Collection method: clinical testing. Allele origin: germline.
Comment: This variant is classified as likely benign based on ACMG/AMP sequence variant interpretation guidelines (Richards et al. 2015 PMID: 25741868, with internal and published modifications).